The following is an entry in ClinVar:

ClinVar aggregate classification (germline): Uncertain significance. Review status: criteria provided, multiple submitters, no conflicts (2 of 4 stars). 2 submissions from 2 submitters: Uncertain significance (2). Last evaluated 2021-10-08.

Conditions:
Inborn genetic diseases. Identifiers: MedGen C0950123, MeSH D030342.
Charcot-Marie-Tooth disease type 2. Also called: Charcot-Marie-Tooth type 2. Identifiers: Orphanet 64746, MedGen C0270914, MONDO:0018993.

Allele frequency attached by ClinVar (database versions not stated): gnomAD exomes below 0.00001.
gnomAD v4.1: 2 of 1,614,098 alleles (0.00012%); highest among the groups gnomAD compares: Non-Finnish European, 0.00017%; no homozygotes.

Submissions (2):

Ambry Genetics
Classification: Uncertain significance for Inborn genetic diseases. Last evaluated: 2021-10-08. Review status: criteria provided, single submitter. Criteria: Ambry Variant Classification Scheme 2023. Collection method: clinical testing. Allele origin: germline.
Comment: The p.G380S variant (also known as c.1138G>A), located in coding exon 10 of the BSCL2 gene, results from a G to A substitution at nucleotide position 1138. The glycine at codon 380 is replaced by serine, an amino acid with similar properties. This amino acid position is conserved. In addition, the in silico prediction for this alteration is inconclusive. Since supporting evidence is limited at this time, the clinical significance of this alteration remains unclear.

Labcorp Genetics (formerly Invitae), Labcorp
Classification: Uncertain significance for Charcot-Marie-Tooth disease type 2. Last evaluated: 2021-10-07. Review status: criteria provided, single submitter. Criteria: Invitae Variant Classification Sherloc (09022015). Collection method: clinical testing. Allele origin: germline.
Comment: This sequence change replaces glycine with serine at codon 380 of the BSCL2 protein (p.Gly380Ser). The glycine residue is moderately conserved and there is a small physicochemical difference between glycine and serine. This variant is not present in population databases (ExAC no frequency). This variant has not been reported in the literature in individuals affected with BSCL2-related conditions. Algorithms developed to predict the effect of missense changes on protein structure and function are either unavailable or do not agree on the potential impact of this missense change (SIFT: "Deleterious"; PolyPhen-2: "Probably Damaging"; Align-GVGD: "Class C0"). In summary, the available evidence is currently insufficient to determine the role of this variant in disease. Therefore, it has been classified as a Variant of Uncertain Significance.

NM_001122955.4(BSCL2):c.1330G>A (p.Gly444Ser)

Genes: HNRNPUL2-BSCL2 (HNRNPUL2-BSCL2 readthrough (NMD candidate); minus strand), BSCL2 (BSCL2 lipid droplet biogenesis associated, seipin; minus strand). Cytogenetic location: 11q12.3.
Variant type: single nucleotide variant.
Coding change: c.1330G>A on transcript NM_001122955.4 (MANE Select); coding-DNA position 1330, G replaced by A.
Protein change: p.Gly444Ser; replaces glycine 444 with serine.
Molecular consequence: missense variant. On other transcripts: non-coding transcript variant (1), 3 prime UTR variant (1).
Genome position (GRCh38, 1-based): chr11:62,690,426, C>T on the plus strand (G>A on the coding strand, the complement: BSCL2 is on the minus strand). VCF-style: chr11-62690426-C-T. GRCh37 (hg19) VCF-style: chr11-62457898-C-T.
Other names: c.*132G>A (NM_001130702.2); c.1336G>A, p.Gly446Ser (NM_001386027.1); c.1330G>A, p.Gly444Ser (NM_001386028.1); c.1138G>A, p.Gly380Ser (NM_032667.6); short protein forms G446S, G380S, G444S.
Identifiers: ClinVar variation 1479659 (VCV001479659.8), dbSNP rs1488410118, ClinGen allele CA380954230.